The following is an entry in ClinVar:

ClinVar aggregate classification (germline): Uncertain significance (1 of 4 stars; one submission).

gnomAD v4.1: 3 of 1,610,116 alleles (0.00019%); highest among the groups gnomAD compares: Non-Finnish European, 0.00025%; no homozygotes.

Submission:

Women's Health and Genetics/Laboratory Corporation of America, LabCorp
Classification: Uncertain significance. Last evaluated: 2025-01-02. Review status: criteria provided, single submitter. Criteria: LabCorp Variant Classification Summary - May 2015. Collection method: clinical testing. Allele origin: germline.
Comment: Variant summary: UNC13D c.182A>G (p.Tyr61Cys) results in a non-conservative amino acid change in the encoded protein sequence. Four of five in-silico tools predict a damaging effect of the variant on protein function. The frequency data for this variant in gnomAD is considered unreliable, as metrics indicate poor data quality at this position. c.182A>G has been reported in the literature in individuals affected with Familial Hemophagocytic Lymphohistiocytosis (Zhang_2007, Gadoury-Levesque2020, Noori_2023). These data do not allow any conclusion about variant significance. At least one publication reports experimental evidence evaluating an impact on protein function. These results showed no damaging effect of this variant (Noori_2023). The following publications have been ascertained in the context of this evaluation (PMID: 32542393, 36706356, 21881043, 24916509, 17627755). No submitters have cited clinical-significance assessments for this variant to ClinVar. Based on the evidence outlined above, the variant was classified as uncertain significance.

Literature cited by the submitters: PubMed 24916509; PubMed 32542393; PubMed 21881043; PubMed 36706356; PubMed 17627755.

NM_199242.3(UNC13D):c.182A>G (p.Tyr61Cys)

Gene: UNC13D (unc-13 homolog D; minus strand). Cytogenetic location: 17q25.1.
Variant type: single nucleotide variant.
Coding change: c.182A>G on transcript NM_199242.3 (MANE Select); coding-DNA position 182, A replaced by G.
Protein change: p.Tyr61Cys; replaces tyrosine 61 with cysteine.
Molecular consequence: missense variant.
Genome position (GRCh38, 1-based): chr17:75,843,238, T>C on the plus strand (A>G on the coding strand, the complement: UNC13D is on the minus strand). VCF-style: chr17-75843238-T-C. GRCh37 (hg19) VCF-style: chr17-73839319-T-C.
Other names: short protein forms Y61C.
Identifiers: ClinVar variation 3769313 (VCV003769313.2).